The following is an entry in ClinVar:

ClinVar aggregate classification (germline): Uncertain significance (1 of 4 stars; one submission).

Conditions:
Cardiomyopathy (CMYO). Also called: Cardiomyopathies. Identifiers: Orphanet 167848, MedGen C0878544, MONDO:0004994, HP:0001638. Inheritance: Various modes of inheritance.

Submission:

Color Diagnostics, LLC DBA Color Health
Classification: Uncertain significance for Cardiomyopathy. Last evaluated: 2023-12-05. Review status: criteria provided, single submitter. Criteria: ACMG Guidelines, 2015. Collection method: clinical testing. Allele origin: germline.
Comment: Variant of Uncertain Significance due to insufficient evidence: This missense variant replaces alanine with serine at codon 149 of the MYBPC3 protein. Computational prediction tools and conservation analyses suggest that this variant may not impact the protein function. Computational splicing tools suggest that this variant may not impact RNA splicing. To our knowledge, functional assays have not been performed for this variant nor has this variant been reported in individuals affected with cardiovascular disorders in the literature. This variant is rare in the general population and has been identified in 0/277264 chromosomes by the Genome Aggregation Database (gnomAD). Available evidence is insufficient to determine the role of this variant in disease conclusively.

NM_000256.3(MYBPC3):c.445G>T (p.Ala149Ser)

Gene: MYBPC3 (myosin binding protein C3; minus strand). Cytogenetic location: 11p11.2.
Variant type: single nucleotide variant.
Coding change: c.445G>T on transcript NM_000256.3 (MANE Select); coding-DNA position 445, G replaced by T.
Protein change: p.Ala149Ser; replaces alanine 149 with serine.
Molecular consequence: missense variant.
Genome position (GRCh38, 1-based): chr11:47,350,074, C>A on the plus strand (G>T on the coding strand, the complement: MYBPC3 is on the minus strand). VCF-style: chr11-47350074-C-A. GRCh37 (hg19) VCF-style: chr11-47371625-C-A.
Other names: short protein forms A149S.
Identifiers: ClinVar variation 927325 (VCV000927325.5), dbSNP rs2095898977, ClinGen allele CA380338794.
Genomic context (GRCh38, chr11:47,350,074, plus strand): 5'-CCACGGTCACCTCGCCATCCTGTGGCCGCATCACGAAGAGGCCAATGGGGTCATCGGGGG[C>A]TCCAGGGGTAGGACCATTGAGAGCTGCTGAGCTTGACCCTGTGAGCAAAGGCTTTTTCTG-3'
Protein context (NP_000247.2, residues 139-159): SAALNGPTPG[Ala149Ser]PDDPIGLFVM